The following is an entry in ClinVar:

NM_016373.4(WWOX):c.1190T>G (p.Leu397Arg)

Genes: MAF (MAF bZIP transcription factor; minus strand), WWOX (WW domain containing oxidoreductase; plus strand). Cytogenetic location: 16q23.2.
Variant type: single nucleotide variant.
Coding change: c.1190T>G on transcript NM_016373.4 (MANE Select); coding-DNA position 1190, T replaced by G.
Protein change: p.Leu397Arg; replaces leucine 397 with arginine.
Molecular consequence: missense variant.
Genome position (GRCh38, 1-based): chr16:79,211,741, T>G. VCF-style: chr16-79211741-T-G. GRCh37 (hg19) VCF-style: chr16-79245638-T-G.
Other names: c.851T>G, p.Leu284Arg (NM_001291997.2); short protein forms L284R, L397R.
Identifiers: ClinVar variation 3758125 (VCV003758125.2).

ClinVar aggregate classification (germline): Uncertain significance (1 of 4 stars; one submission).

Conditions:
Developmental and epileptic encephalopathy, 1 (DEE1). Also called: INFANTILE SPASM SYNDROME, X-LINKED 1; X-linked infantile spasms; West's syndrome; Tonic spasms with clustering, arrest of psychomotor development and hypsarrhythmia on EEG; X-Linked Infantile Spasm Syndrome; OHTAHARA SYNDROME, X-LINKED. Identifiers: MedGen C3463992, MONDO:0010632, OMIM 308350. Disease mechanism: loss of function.
Autosomal recessive spinocerebellar ataxia 12. Also called: SPINOCEREBELLAR ATAXIA WITH MENTAL RETARDATION AND EPILEPSY. Identifiers: Orphanet 284282, MedGen C3280452, MONDO:0013687, OMIM 614322.

Submission:

Labcorp Genetics (formerly Invitae), Labcorp
Classification: Uncertain significance for Developmental and epileptic encephalopathy, 1; Autosomal recessive spinocerebellar ataxia 12. Last evaluated: 2025-03-26. Review status: criteria provided, single submitter. Criteria: Invitae Variant Classification Sherloc (09022015). Collection method: clinical testing. Allele origin: germline.
Comment: This sequence change replaces leucine, which is neutral and non-polar, with arginine, which is basic and polar, at codon 397 of the WWOX protein (p.Leu397Arg). This variant is not present in population databases (gnomAD no frequency). This variant has not been reported in the literature in individuals affected with WWOX-related conditions. Invitae Evidence Modeling of protein sequence and biophysical properties (such as structural, functional, and spatial information, amino acid conservation, physicochemical variation, residue mobility, and thermodynamic stability) indicates that this missense variant is expected to disrupt WWOX protein function with a positive predictive value of 80%. In summary, the available evidence is currently insufficient to determine the role of this variant in disease. Therefore, it has been classified as a Variant of Uncertain Significance.